The following is an entry in ClinVar:

NM_031892.3(SH3KBP1):c.949G>A (p.Val317Met)

Gene: SH3KBP1 (SH3 domain containing kinase binding protein 1; minus strand). Cytogenetic location: Xp22.12.
Variant type: single nucleotide variant.
Coding change: c.949G>A on transcript NM_031892.3 (MANE Select); coding-DNA position 949, G replaced by A.
Protein change: p.Val317Met; replaces valine 317 with methionine.
Molecular consequence: missense variant.
Genome position (GRCh38, 1-based): chrX:19,607,994, C>T on the plus strand (G>A on the coding strand, the complement: SH3KBP1 is on the minus strand). VCF-style: chrX-19607994-C-T. GRCh37 (hg19) VCF-style: chrX-19626112-C-T.
Other names: c.838G>A, p.Val280Met (NM_001024666.3); c.235G>A, p.Val79Met (NM_001184960.2, NM_001353897.2); c.949G>A, p.Val317Met (NM_001353890.2); c.1024G>A, p.Val342Met (NM_001353891.2, NM_001353892.2); c.847G>A, p.Val283Met (NM_001353893.2, NM_001353894.2); c.904G>A, p.Val302Met (NM_001353895.2); c.1081G>A, p.Val361Met (NM_001410756.1, NM_001410757.1); c.772G>A, p.Val258Met (NM_001410758.1); short protein forms V258M, V283M, V302M, V79M, V317M, V280M, V361M, V342M.
Identifiers: ClinVar variation 4694445 (VCV004694445.1).

ClinVar aggregate classification (germline): Uncertain significance (1 of 4 stars; one submission).

gnomAD v4.1: 5 of 1,211,441 alleles (0.00041%); highest among the groups gnomAD compares: South Asian, 0.0053%; no homozygotes.

Submission:

Labcorp Genetics (formerly Invitae), Labcorp
Classification: Uncertain significance. Last evaluated: 2025-06-12. Review status: criteria provided, single submitter. Criteria: Invitae Variant Classification Sherloc (09022015). Collection method: clinical testing. Allele origin: germline.
Comment: This sequence change replaces valine, which is neutral and non-polar, with methionine, which is neutral and non-polar, at codon 317 of the SH3KBP1 protein (p.Val317Met). This variant is not present in population databases (gnomAD no frequency). This variant has not been reported in the literature in individuals affected with SH3KBP1-related conditions. Invitae Evidence Modeling of protein sequence and biophysical properties (such as structural, functional, and spatial information, amino acid conservation, physicochemical variation, residue mobility, and thermodynamic stability) indicates that this missense variant is expected to disrupt SH3KBP1 protein function with a positive predictive value of 80%. In summary, the available evidence is currently insufficient to determine the role of this variant in disease. Therefore, it has been classified as a Variant of Uncertain Significance.